The following is an entry in ClinVar:

NM_001379500.1(COL18A1):c.3036_3044del (p.1011PPG[3])

Genes: COL18A1 (collagen type XVIII alpha 1 chain; plus strand), SLC19A1 (solute carrier family 19 member 1; minus strand). Cytogenetic location: 21q22.3.
Variant type: Deletion.
Coding change: c.3036_3044del on transcript NM_001379500.1 (MANE Select); coding-DNA positions 3036 to 3044, 9 bases deleted (GGGCCCCCC; older notation c.3036_3044delGGGCCCCCC).
Protein change: p.1011PPG[3].
Molecular consequence: inframe deletion.
Genome position (GRCh38, 1-based): chr21:45,505,380-45,505,388, GGGCCCCCC deleted; deleting any 9 consecutive bases within chr21:45,505,378-45,505,388 gives the same sequence; the c. name uses the placement nearest the transcript's 3' end. VCF-style (leftmost placement, unchanged base first): chr21-45505377-TCCGGGCCCC-T. GRCh37 (hg19) VCF-style: chr21-46925291-TCCGGGCCCC-T.
Other names: c.3567_3575del, p.1188PPG[3] (NM_030582.4); c.4272_4280del, p.1423PPG[3] (NM_130444.3); c.3567_3575del9 (NM_030582.3).
Identifiers: ClinVar variation 1381962 (VCV001381962.10), dbSNP rs749431242, ClinGen allele CA10067643.
Genomic context (GRCh38, chr21:45,505,377, plus strand): 5'-TCGTGTGGCTTCGTGTTCCCACCTTGGTTTCTCTCCTGCAGCTATCAGCGTTCCCGGCCC[TCCGGGCCCC>T]CCTGGGCCCCCTGGGCCCCCTGGAACCATGGGCGCCTCCTCAGGGGTAAGTGTCTGGGCA-3'

ClinVar aggregate classification (germline): Uncertain significance. Review status: criteria provided, multiple submitters, no conflicts (2 of 4 stars). 3 submissions from 3 submitters: Uncertain significance (3). Last evaluated 2025-05-05.

Conditions:
COL18A1-related disorder. Also called: COL18A1-related disorders; COL18A1-related condition.

Submissions (3):

Labcorp Genetics (formerly Invitae), Labcorp
Classification: Uncertain significance. Last evaluated: 2025-05-05. Review status: criteria provided, single submitter. Criteria: Invitae Variant Classification Sherloc (09022015). Collection method: clinical testing. Allele origin: germline.
Comment: This variant, c.3027_3035del, results in the deletion of 3 amino acid(s) of the COL18A1 protein (p.Pro1017_Gly1019del), but otherwise preserves the integrity of the reading frame. This variant is present in population databases (rs749431242, gnomAD 0.003%). This variant has not been reported in the literature in individuals affected with COL18A1-related conditions. ClinVar contains an entry for this variant (Variation ID: 1381962). Experimental studies and prediction algorithms are not available or were not evaluated, and the functional significance of this variant is currently unknown. In summary, the available evidence is currently insufficient to determine the role of this variant in disease. Therefore, it has been classified as a Variant of Uncertain Significance.

PreventionGenetics, part of Exact Sciences
Classification: Uncertain significance for COL18A1-related condition. Last evaluated: 2024-12-13. Review status: criteria provided, single submitter. Criteria: ACMG Guidelines, 2015. Collection method: clinical testing. Allele origin: germline.
Comment: The COL18A1 c.3567_3575del9 variant is predicted to result in an in-frame deletion (p.Pro1197_Gly1199del). To our knowledge, this variant has not been reported in the literature. This variant is reported in 0.0028% of alleles in individuals of European (Non-Finnish) descent in gnomAD. At this time, the clinical significance of this variant is uncertain due to the absence of conclusive functional and genetic evidence.

Blueprint Genetics
Classification: Uncertain significance. Last evaluated: 2024-06-07. Review status: criteria provided, single submitter. Criteria: ACMG Guidelines, 2015. Collection method: clinical testing. Allele origin: germline.